The following is an entry in ClinVar:

NM_053013.4(ENO3):c.310+3G>A

Gene: ENO3 (enolase 3; plus strand). Cytogenetic location: 17p13.2.
Variant type: single nucleotide variant.
Coding change: c.310+3G>A on transcript NM_053013.4 (MANE Select); 3 bases into the intron after coding-DNA position 310, G replaced by A.
Molecular consequence: intron variant.
Genome position (GRCh38, 1-based): chr17:4,953,344, G>A. VCF-style: chr17-4953344-G-A. GRCh37 (hg19) VCF-style: chr17-4856639-G-A.
Other names: c.337+3G>A (NM_001374524.1); c.310+3G>A (NM_001976.5, NM_001374523.1); c.182-368G>A (NM_001193503.2).
Identifiers: ClinVar variation 1912226 (VCV001912226.5), dbSNP rs1438283955, ClinGen allele CA772693682.

ClinVar aggregate classification (germline): Uncertain significance (1 of 4 stars; one submission).

Conditions:
Glycogen storage disease due to muscle beta-enolase deficiency (GSD13). Also called: ENOLASE 3 DEFICIENCY; ENOLASE-BETA DEFICIENCY; GSD XIII; Glycogen Storage Disease Type XIII. Identifiers: Orphanet 99849, MedGen C2752027, MONDO:0013046, OMIM 612932.

Allele frequency attached by ClinVar (database versions not stated): gnomAD 0.00001; gnomAD exomes 0.00001; TOPMed 0.00001.
gnomAD v4.1: 11 of 1,614,132 alleles (0.00068%); highest among the groups gnomAD compares: Non-Finnish European, 0.00085%; no homozygotes.

Submission:

Labcorp Genetics (formerly Invitae), Labcorp
Classification: Uncertain significance for Glycogen storage disease due to muscle beta-enolase deficiency. Last evaluated: 2022-05-20. Review status: criteria provided, single submitter. Criteria: Invitae Variant Classification Sherloc (09022015). Collection method: clinical testing. Allele origin: germline.
Comment: In summary, the available evidence is currently insufficient to determine the role of this variant in disease. Therefore, it has been classified as a Variant of Uncertain Significance. Variants that disrupt the consensus splice site are a relatively common cause of aberrant splicing (PMID: 17576681, 9536098). Algorithms developed to predict the effect of sequence changes on RNA splicing suggest that this variant may disrupt the consensus splice site. This variant has not been reported in the literature in individuals affected with ENO3-related conditions. This variant is not present in population databases (gnomAD no frequency). This sequence change falls in intron 5 of the ENO3 gene. It does not directly change the encoded amino acid sequence of the ENO3 protein. It affects a nucleotide within the consensus splice site.

Literature cited by the submitters: PubMed 17576681; PubMed 9536098.